The following is an entry in ClinVar:

ClinVar aggregate classification (germline): Uncertain significance (1 of 4 stars; one submission).

Conditions:
Peroxisome biogenesis disorder 11A (Zellweger). Also called: Peroxisome biogenesis disorder 11A. Identifiers: Orphanet 912, MedGen C3554000, MONDO:0013949, OMIM 614883.

gnomAD v4.1: 1 of 1,614,032 alleles (0.000062%); highest among the groups gnomAD compares: Non-Finnish European, 0.000085%; no homozygotes.

Submission:

Illumina Laboratory Services, Illumina
Classification: Uncertain significance for Peroxisome biogenesis disorder 11A (Zellweger). Last evaluated: 2017-04-27. Review status: criteria provided, single submitter. Criteria: ICSL Variant Classification Criteria 13 December 2019. Collection method: clinical testing. Allele origin: germline.
Comment: This variant was observed as part of a predisposition screen in an ostensibly healthy population. A literature search was performed for the gene, cDNA change, and amino acid change (where applicable). Publications were found based on this search. However, the evidence from the literature, in combination with allele frequency data from public databases where available, was not sufficient to rule this variant in or out of causing disease. Therefore, this variant is classified as a variant of unknown significance.

Literature cited by the submitters: PubMed 21031596.

NM_002618.4(PEX13):c.980C>T (p.Pro327Leu)

Gene: PEX13 (peroxisomal biogenesis factor 13; plus strand). Cytogenetic location: 2p15.
Variant type: single nucleotide variant.
Coding change: c.980C>T on transcript NM_002618.4 (MANE Select); coding-DNA position 980, C replaced by T.
Protein change: p.Pro327Leu; replaces proline 327 with leucine.
Molecular consequence: missense variant.
Genome position (GRCh38, 1-based): chr2:61,048,538, C>T. VCF-style: chr2-61048538-C-T. GRCh37 (hg19) VCF-style: chr2-61275673-C-T.
Other names: short protein forms P327L.
Identifiers: ClinVar variation 895453 (VCV000895453.4), dbSNP rs1680745521, ClinGen allele CA346949714.